The following is an entry in ClinVar:

NM_001267550.2(TTN):c.103772G>A (p.Arg34591Gln)

Genes: TTN (titin; minus strand), TTN-AS1 (TTN antisense RNA 1; plus strand). Cytogenetic location: 2q31.2.
Variant type: single nucleotide variant.
Coding change: c.103772G>A on transcript NM_001267550.2 (MANE Select); coding-DNA position 103772, G replaced by A.
Protein change: p.Arg34591Gln; replaces arginine 34591 with glutamine.
Molecular consequence: missense variant.
Genome position (GRCh38, 1-based): chr2:178,532,843, C>T on the plus strand (G>A on the coding strand, the complement: TTN is on the minus strand). VCF-style: chr2-178532843-C-T. GRCh37 (hg19) VCF-style: chr2-179397570-C-T.
Other names: c.98849G>A, p.Arg32950Gln (NM_001256850.1); c.76577G>A, p.Arg25526Gln (NM_003319.4); c.96068G>A, p.Arg32023Gln (NM_133378.4); c.76952G>A, p.Arg25651Gln (NM_133432.3); c.77153G>A, p.Arg25718Gln (NM_133437.4); short protein forms R34591Q, R25526Q, R25651Q, R25718Q, R32950Q, R32023Q.
Identifiers: ClinVar variation 466720 (VCV000466720.28), dbSNP rs778021095, ClinGen allele CA1985546.
Genomic context (GRCh38, chr2:178,532,843, plus strand): 5'-ATGCGTGGAAGAGGCATCACATAGAACTGTTCCCATCTTGAAAGGCGGATGCGCTTGGGT[C>T]GTTTCTGTACAACTCTGTCAAGTTTCCCAGGCATTTCATACTGATCACGTATCTTTTTAT-3'
Protein context (NP_001254479.2, residues 34581-34601): PGKLDRVVQK[Arg34591Gln]PKRIRLSRWE

ClinVar aggregate classification (germline): Conflicting classifications of pathogenicity. Review status: criteria provided, conflicting classifications (1 of 4 stars). 4 submissions from 4 submitters: Uncertain significance (2); Likely benign (2). Last evaluated 2025-04-09.

Conditions:
Dilated cardiomyopathy 1G (CMD1G). Identifiers: Orphanet 154, MedGen C1858763, MONDO:0011400, OMIM 604145.
Autosomal recessive limb-girdle muscular dystrophy type 2J (LGMDR10). Also called: Limb-girdle muscular dystrophy, type 2J; MUSCULAR DYSTROPHY, LIMB-GIRDLE, AUTOSOMAL RECESSIVE 10. Identifiers: Orphanet 140922, MedGen C1837342, MONDO:0012127, OMIM 608807.

Allele frequency attached by ClinVar (database versions not stated): ExAC 0.00001; gnomAD exomes 0.00001 and 0.00002; TOPMed 0.00004; gnomAD 0.00006.
gnomAD v4.1: 35 of 1,613,774 alleles (0.0022%); highest among the groups gnomAD compares: Admixed American, 0.0067%; no homozygotes.

Submissions (4):

Molecular Diagnostic Laboratory for Inherited Cardiovascular Disease, Montreal Heart Institute
Classification: Likely benign. Last evaluated: 2025-04-09. Review status: criteria provided, single submitter. Criteria: ACMG Guidelines, 2015. Collection method: clinical testing. Allele origin: germline. Affected: no.

CeGaT Center for Human Genetics Tuebingen
Classification: Uncertain significance. Last evaluated: 2023-11-01. Review status: criteria provided, single submitter. Criteria: CeGaT Center For Human Genetics Tuebingen Variant Classification Criteria Version 2. Collection method: clinical testing. Allele origin: germline. Affected: yes. Observed: 1 variant allele.
Comment: TTN: PM2

GeneDx
Classification: Likely benign. Last evaluated: 2018-04-18. Review status: criteria provided, single submitter. Criteria: GeneDx Variant Classification (06012015). Collection method: clinical testing. Allele origin: germline. Affected: yes.
Comment: This variant is considered likely benign or benign based on one or more of the following criteria: it is a conservative change, it occurs at a poorly conserved position in the protein, it is predicted to be benign by multiple in silico algorithms, and/or has population frequency not consistent with disease.

Labcorp Genetics (formerly Invitae), Labcorp
Classification: Uncertain significance for Dilated cardiomyopathy 1G; Autosomal recessive limb-girdle muscular dystrophy type 2J. Last evaluated: 2017-08-31. Review status: criteria provided, single submitter. Criteria: Invitae Variant Classification Sherloc (09022015). Collection method: clinical testing. Allele origin: germline.